The following is an entry in ClinVar:

ClinVar aggregate classification (germline): Likely pathogenic (1 of 4 stars; one submission).

Conditions:
Hearing impairment. Also called: Impaired Hearing. Identifiers: MedGen C1384666, MONDO:0005365, HP:0000365.

Allele frequency attached by ClinVar (database versions not stated): gnomAD exomes below 0.00001; TOPMed below 0.00001.
gnomAD v4.1: 3 of 1,549,088 alleles (0.00019%); highest among the groups gnomAD compares: Non-Finnish European, 0.00017%; no homozygotes.

Submission:

Department of Otolaryngology – Head & Neck Surgery, Cochlear Implant Center
Classification: Likely pathogenic for Hearing impairment. Last evaluated: 2021-04-12. Review status: criteria provided, single submitter. Criteria: ClinGen HL ACMG Specifications v1. Collection method: clinical testing. Allele origin: germline. Affected: yes.
Comment: PVS1_Strong, PM2_Moderate

NM_001292063.2(OTOG):c.1451G>T (p.Cys484Phe)

Gene: OTOG (otogelin; plus strand). Cytogenetic location: 11p15.1.
Variant type: single nucleotide variant.
Coding change: c.1451G>T on transcript NM_001292063.2 (MANE Select); coding-DNA position 1451, G replaced by T.
Protein change: p.Cys484Phe; replaces cysteine 484 with phenylalanine.
Molecular consequence: missense variant.
Genome position (GRCh38, 1-based): chr11:17,560,817, G>T. VCF-style: chr11-17560817-G-T. GRCh37 (hg19) VCF-style: chr11-17582364-G-T.
Other names: c.1487G>T, p.Cys496Phe (NM_001277269.2); short protein forms C484F, C496F.
Identifiers: ClinVar variation 1065078 (VCV001065078.3), dbSNP rs1051388148, ClinGen allele CA218497697.